The following is an entry in ClinVar:

NM_003128.3(SPTBN1):c.5522C>T (p.Thr1841Ile)

Gene: SPTBN1 (spectrin beta, non-erythrocytic 1; plus strand). Cytogenetic location: 2p16.2.
Variant type: single nucleotide variant.
Coding change: c.5522C>T on transcript NM_003128.3 (MANE Select); coding-DNA position 5522, C replaced by T.
Protein change: p.Thr1841Ile; replaces threonine 1841 with isoleucine.
Molecular consequence: missense variant.
Genome position (GRCh38, 1-based): chr2:54,649,934, C>T. VCF-style: chr2-54649934-C-T. GRCh37 (hg19) VCF-style: chr2-54877071-C-T.
Other names: c.5483C>T, p.Thr1828Ile (NM_178313.3); short protein forms T1828I, T1841I.
Identifiers: ClinVar variation 3900351 (VCV003900351.1).

ClinVar aggregate classification (germline): Uncertain significance (1 of 4 stars; one submission).

Submission:

GeneDx
Classification: Uncertain significance. Last evaluated: 2024-11-12. Review status: criteria provided, single submitter. Criteria: GeneDx Variant Classification Process June 2021. Collection method: clinical testing. Allele origin: germline. Affected: yes.
Comment: Not observed at significant frequency in large population cohorts (gnomAD); In silico analysis indicates that this missense variant does not alter protein structure/function; Has not been previously published as pathogenic or benign to our knowledge.